The following is an entry in ClinVar:

NM_001184.4(ATR):c.5314A>G (p.Thr1772Ala)

Gene: ATR (ATR checkpoint kinase; minus strand). Cytogenetic location: 3q23.
Variant type: single nucleotide variant.
Coding change: c.5314A>G on transcript NM_001184.4 (MANE Select); coding-DNA position 5314, A replaced by G.
Protein change: p.Thr1772Ala; replaces threonine 1772 with alanine.
Molecular consequence: missense variant.
Genome position (GRCh38, 1-based): chr3:142,499,693, T>C on the plus strand (A>G on the coding strand, the complement: ATR is on the minus strand). VCF-style: chr3-142499693-T-C. GRCh37 (hg19) VCF-style: chr3-142218535-T-C.
Other names: c.5122A>G, p.Thr1708Ala (NM_001354579.2); short protein forms T1708A, T1772A.
Identifiers: ClinVar variation 2567812 (VCV002567812.2), dbSNP rs2031850633, ClinGen allele CA354817166.

ClinVar aggregate classification (germline): Uncertain significance (1 of 4 stars; one submission).

Conditions:
Inborn genetic diseases. Identifiers: MedGen C0950123, MeSH D030342.

Allele frequency attached by ClinVar (database versions not stated): TOPMed 0.00001.

Submission:

Ambry Genetics
Classification: Uncertain significance for Inborn genetic diseases. Last evaluated: 2023-04-13. Review status: criteria provided, single submitter. Criteria: Ambry Variant Classification Scheme 2023. Collection method: clinical testing. Allele origin: germline.
Comment: The p.T1772A variant (also known as c.5314A>G), located in coding exon 31 of the ATR gene, results from an A to G substitution at nucleotide position 5314. The threonine at codon 1772 is replaced by alanine, an amino acid with similar properties. This amino acid position is conserved. In addition, this alteration is predicted to be tolerated by in silico analysis. Since supporting evidence is limited at this time, the clinical significance of this alteration remains unclear.